The following is an entry in ClinVar:

ClinVar aggregate classification (germline): Uncertain significance. Review status: criteria provided, multiple submitters, no conflicts (2 of 4 stars). 2 submissions from 2 submitters: Uncertain significance (2). Last evaluated 2025-05-26.

Conditions:
Catecholaminergic polymorphic ventricular tachycardia (CVPT). Also called: Catecholamine-induced polymorphic ventricular tachycardia. Identifiers: Orphanet 3286, MedGen C5574922, MONDO:0017990.
Cardiovascular phenotype. Identifiers: MedGen CN230736.

Submissions (2):

Ambry Genetics
Classification: Uncertain significance for Cardiovascular phenotype. Last evaluated: 2025-05-26. Review status: criteria provided, single submitter. Criteria: Ambry Variant Classification Scheme 2023. Collection method: clinical testing. Allele origin: germline.
Comment: The p.P4359S variant (also known as c.13075C>T), located in coding exon 90 of the RYR2 gene, results from a C to T substitution at nucleotide position 13075. The proline at codon 4359 is replaced by serine, an amino acid with similar properties. This amino acid position is well conserved in available vertebrate species. In addition, this alteration is predicted to be tolerated by in silico analysis. Based on the available evidence, the clinical significance of this variant remains unclear.

All of Us Research Program, National Institutes of Health
Classification: Uncertain significance for Catecholaminergic polymorphic ventricular tachycardia. Last evaluated: 2023-04-10. Review status: criteria provided, single submitter. Criteria: ACMG Guidelines, 2015. Collection method: clinical testing. Allele origin: germline. Inheritance: Autosomal dominant inheritance. Observed: 1 variant allele, 1 heterozygote.
Comment: This missense variant replaces proline with serine at codon 4359 of the RYR2 protein. Computational prediction suggests that this variant may not impact protein structure and function (internally defined REVEL score threshold <= 0.5, PMID: 27666373). To our knowledge, functional studies have not been reported for this variant. This variant has not been reported in individuals affected with RYR2-related disorders in the literature. This variant has not been identified in the general population by the Genome Aggregation Database (gnomAD). The available evidence is insufficient to determine the role of this variant in disease conclusively. Therefore, this variant is classified as a Variant of Uncertain Significance.

This study involves interpretation of variants in research participants for the purpose of population health screening. Participant phenotype was not available at the time of variant classification. Additional details can be found in publication PMID: 35346344, PMCID: PMC8962531

NM_001035.3(RYR2):c.13075C>T (p.Pro4359Ser)

Genes: RYR2 (ryanodine receptor 2; plus strand), LOC126806068 (BRD4-independent group 4 enhancer GRCh37_chr1:237947411-237948610; plus strand). Cytogenetic location: 1q43.
Variant type: single nucleotide variant.
Coding change: c.13075C>T on transcript NM_001035.3 (MANE Select); coding-DNA position 13075, C replaced by T.
Protein change: p.Pro4359Ser; replaces proline 4359 with serine.
Molecular consequence: missense variant.
Genome position (GRCh38, 1-based): chr1:237,784,787, C>T. VCF-style: chr1-237784787-C-T. GRCh37 (hg19) VCF-style: chr1-237948087-C-T.
Other names: c.13075C>T (NM_001035.2); short protein forms P4359S.
Identifiers: ClinVar variation 3070435 (VCV003070435.2), dbSNP rs2527798712, ClinGen allele CA345415200.